The following is an entry in ClinVar:

ClinVar aggregate classification (germline): Likely benign (1 of 4 stars; one submission).

Allele frequency attached by ClinVar (database versions not stated): gnomAD exomes below 0.00001; gnomAD 0.00002.
gnomAD v4.1: 9 of 1,505,832 alleles (0.0006%); highest among the groups gnomAD compares: African/African-American, 0.0029%; no homozygotes.

Submission:

CeGaT Center for Human Genetics Tuebingen
Classification: Likely benign. Last evaluated: 2023-01-01. Review status: criteria provided, single submitter. Criteria: CeGaT Center For Human Genetics Tuebingen Variant Classification Criteria Version 2. Collection method: clinical testing. Allele origin: germline. Affected: yes. Observed: 1 variant allele.
Comment: ATXN2: BP4, BP7

NM_001372574.1(ATXN2):c.33G>A (p.Gln11=)

Gene: ATXN2 (ataxin 2; minus strand). Cytogenetic location: 12q24.12.
Variant type: single nucleotide variant.
Coding change: c.33G>A on transcript NM_001372574.1 (MANE Select); coding-DNA position 33, G replaced by A.
Protein change: p.Gln11=; no amino-acid change (glutamine 11 retained).
Molecular consequence: synonymous variant. On other transcripts: non-coding transcript variant (1), intron variant (2).
Genome position (GRCh38, 1-based): chr12:111,599,002, C>T on the plus strand (G>A on the coding strand, the complement: ATXN2 is on the minus strand). VCF-style: chr12-111599002-C-T. GRCh37 (hg19) VCF-style: chr12-112036806-C-T.
Other names: c.33G>A, p.Gln11= (NM_002973.4); c.-28+573G>A (NM_001310123.1); c.-65+573G>A (NM_001310121.1).
Identifiers: ClinVar variation 2643329 (VCV002643329.24), dbSNP rs1196162110, ClinGen allele CA481873364.
Genomic context (GRCh38, chr12:111,599,002, plus strand): 5'-GGGCGGCGGCTGCTGCTGCTGCTGCTGCTGCTGCTGTTGCTGCTGCTGCTGCTGCTGCTG[C>T]TGCTGCTGCTGCTGCTGGGGCTTCAGCGACATGGTGAGGGGCCCATACACCGGCTCGCAC-3'
Protein context (NP_001359503.1, residues 1-21): MSLKPQQQQQ[Gln11=]QQQQQQQQQQ